The following is an entry in ClinVar:

NM_031955.6(SPATA16):c.720G>A (p.Arg240=)

Gene: SPATA16 (spermatogenesis associated 16; minus strand). Cytogenetic location: 3q26.31.
Variant type: single nucleotide variant.
Coding change: c.720G>A on transcript NM_031955.6 (MANE Select); coding-DNA position 720, G replaced by A.
Protein change: p.Arg240=; no amino-acid change (arginine 240 retained).
Molecular consequence: synonymous variant.
Genome position (GRCh38, 1-based): chr3:173,048,987, C>T on the plus strand (G>A on the coding strand, the complement: SPATA16 is on the minus strand). VCF-style: chr3-173048987-C-T. GRCh37 (hg19) VCF-style: chr3-172766777-C-T.
Identifiers: ClinVar variation 344215 (VCV000344215.6), dbSNP rs55724801, ClinGen allele CA2708291.

ClinVar aggregate classification (germline): Benign. Review status: criteria provided, multiple submitters, no conflicts (2 of 4 stars). 2 submissions from 2 submitters: Benign (2). Last evaluated 2018-01-13.

Conditions:
Spermatogenic failure 6 (SPGF6). Also called: ROUND-HEADED SPERMATOZOA; ACROSOME MALFORMATION OF SPERMATOZOA. Identifiers: Orphanet 171709, MedGen C4225503, MONDO:0007060, OMIM 102530.

Allele frequency attached by ClinVar (database versions not stated): ESP Exome Variant Server 0.02322; 1000 Genomes Project 0.02336; gnomAD 0.02430 and 0.02521; 1000 Genomes Project 30x 0.02467; TOPMed 0.02864; ExAC 0.03172; gnomAD exomes 0.03196 and 0.03579.
gnomAD v4.1: 50,413 of 1,613,790 alleles (3.1%); highest among the groups gnomAD compares: Admixed American, 9.1%; 1,065 homozygotes.

Submissions (2):

Illumina Laboratory Services, Illumina
Classification: Benign for Spermatogenic failure 6. Last evaluated: 2018-01-13. Review status: criteria provided, single submitter. Criteria: ICSL Variant Classification Criteria 13 December 2019. Collection method: clinical testing. Allele origin: germline.
Comment: This variant was observed in the ICSL laboratory as part of a predisposition screen in an ostensibly healthy population. It had not been previously curated by ICSL or reported in the Human Gene Mutation Database (HGMD: prior to June 1st, 2018), and was therefore a candidate for classification through an automated scoring system. Utilizing variant allele frequency, disease prevalence and penetrance estimates, and inheritance mode, an automated score was calculated to assess if this variant is too frequent to cause the disease. Based on the score and internal cut-off values, a variant classified as benign is not then subjected to further curation. The score for this variant resulted in a classification of benign for this disease.

Breakthrough Genomics
Classification: Benign. Review status: criteria provided, single submitter. Criteria: ACMG Guidelines, 2015. Collection method: not provided. Allele origin: germline. Inheritance: Autosomal recessive inheritance. Affected: yes.